The following is an entry in ClinVar:

ClinVar aggregate classification (germline): Likely benign (0 of 4 stars; one submission).

Conditions:
Duchenne muscular dystrophy (DMD). Also called: Duchenne Muscular Dystrophy (DMD); MUSCULAR DYSTROPHY, PSEUDOHYPERTROPHIC PROGRESSIVE, DUCHENNE TYPE. Identifiers: Orphanet 98896, MedGen C0013264, MONDO:0010679, OMIM 310200.

Submission:

Medical Genetic Diagnosis and Therapy Center, Fujian Medical University
Classification: Likely benign for Duchenne muscular dystrophy. Review status: no assertion criteria provided. Collection method: clinical testing. Allele origin: germline. Inheritance: X-linked recessive inheritance. Affected: no. Observed: 1 hemizygote.
Comment: Our results showed the deletion of DMD exons 48–55, which was predicted to be in-frame by the reading frame rule.

Literature cited by the submitters: DOI 10.3389/fped.2025.1541468.

Single allele

Gene: DMD (dystrophin; minus strand). Cytogenetic location: Xp21.1.
Variant type: Deletion.
Identifiers: ClinVar variation 3777047 (VCV003777047.1).